The following is an entry in ClinVar:

NM_000059.4(BRCA2):c.1951G>T (p.Asp651Tyr)

Gene: BRCA2 (BRCA2 DNA repair associated; plus strand). Cytogenetic location: 13q13.1.
Variant type: single nucleotide variant.
Coding change: c.1951G>T on transcript NM_000059.4 (MANE Select); coding-DNA position 1951, G replaced by T.
Protein change: p.Asp651Tyr; replaces aspartic acid 651 with tyrosine.
Molecular consequence: missense variant.
Genome position (GRCh38, 1-based): chr13:32,336,306, G>T. VCF-style: chr13-32336306-G-T. GRCh37 (hg19) VCF-style: chr13-32910443-G-T.
Other names: short protein forms D651Y.
Identifiers: ClinVar variation 51231 (VCV000051231.26), dbSNP rs80358482, ClinGen allele CA014008.

ClinVar aggregate classification (germline): Conflicting classifications of pathogenicity. Review status: criteria provided, conflicting classifications (1 of 4 stars). 9 submissions from 9 submitters: Uncertain significance (4); Likely benign (2). 3 of the submissions do not count toward it. Last evaluated 2024-08-27.

Conditions:
Hereditary breast ovarian cancer syndrome. Also called: Hereditary breast and ovarian cancer syndrome; Hereditary breast and ovarian cancer; Hereditary breast and ovarian cancer syndrome (HBOC); Breast and ovarian cancer; Hereditary breast and/or ovarian cancer syndrome; BRCA1- and BRCA2-Associated Hereditary Breast and Ovarian Cancer. Identifiers: Orphanet 145, MedGen C0677776, MeSH D061325, MONDO:0003582. Disease mechanism: loss of function.
Breast-ovarian cancer, familial, susceptibility to, 2 (BROVCA2). Also called: BRCA2 Hereditary Breast and Ovarian Cancer. Identifiers: Orphanet 145, MedGen C2675520, MONDO:0012933, OMIM 612555. Disease mechanism: loss of function.
Hereditary cancer-predisposing syndrome. Also called: Neoplastic Syndromes, Hereditary; Tumor predisposition; Hereditary Cancer Syndrome; Hereditary neoplastic syndrome. Identifiers: Orphanet 140162, MedGen C0027672, MeSH D009386, MONDO:0015356.
Malignant tumor of breast. Also called: Malignant breast neoplasm; Cancer breast. Identifiers: MedGen C0006142, MONDO:0007254. Disease mechanism: loss of function.

Allele frequency attached by ClinVar (database versions not stated): gnomAD exomes below 0.00001.
gnomAD v4.1: 3 of 1,602,006 alleles (0.00019%); highest among the groups gnomAD compares: South Asian, 0.0011%; no homozygotes.

Submissions (9):

Labcorp Genetics (formerly Invitae), Labcorp
Classification: Uncertain significance for Hereditary breast ovarian cancer syndrome. Last evaluated: 2024-08-27. Review status: criteria provided, single submitter. Criteria: Invitae Variant Classification Sherloc (09022015). Collection method: clinical testing. Allele origin: germline.
Comment: This sequence change replaces aspartic acid, which is acidic and polar, with tyrosine, which is neutral and polar, at codon 651 of the BRCA2 protein (p.Asp651Tyr). The frequency data for this variant in the population databases is considered unreliable, as metrics indicate poor data quality at this position in the gnomAD database. This missense change has been observed in individual(s) with breast cancer (PMID: 25777348). ClinVar contains an entry for this variant (Variation ID: 51231). Invitae Evidence Modeling of protein sequence and biophysical properties (such as structural, functional, and spatial information, amino acid conservation, physicochemical variation, residue mobility, and thermodynamic stability) indicates that this missense variant is not expected to disrupt BRCA2 protein function with a negative predictive value of 95%. In summary, the available evidence is currently insufficient to determine the role of this variant in disease. Therefore, it has been classified as a Variant of Uncertain Significance.

All of Us Research Program, National Institutes of Health
Classification: Uncertain significance for Breast-ovarian cancer, familial, susceptibility to, 2. Last evaluated: 2023-12-13. Review status: criteria provided, single submitter. Criteria: ACMG Guidelines, 2015. Collection method: clinical testing. Allele origin: germline. Inheritance: Autosomal dominant inheritance. Observed: 2 variant alleles, 1 heterozygote, 1 homozygote.
Comment: This missense variant replaces aspartic acid with tyrosine at codon 651 of the BRCA2 protein. Computational prediction suggests that this variant may not impact protein structure and function (internally defined REVEL score threshold <= 0.5, PMID: 27666373). To our knowledge, functional studies have not been reported for this variant. This variant has been reported in an individual affected with breast cancer (PMID: 25777348). This variant has been identified in 1/240136 chromosomes in the general population by the Genome Aggregation Database (gnomAD). The available evidence is insufficient to determine the role of this variant in disease conclusively. Therefore, this variant is classified as a Variant of Uncertain Significance.

This study involves interpretation of variants in research participants for the purpose of population health screening. Participant phenotype was not available at the time of variant classification. Additional details can be found in publication PMID: 35346344, PMCID: PMC8962531

Color Diagnostics, LLC DBA Color Health
Classification: Uncertain significance for Hereditary cancer-predisposing syndrome. Last evaluated: 2023-06-15. Review status: criteria provided, single submitter. Criteria: ACMG Guidelines, 2015. Collection method: clinical testing. Allele origin: germline.
Comment: This missense variant replaces aspartic acid with tyrosine at codon 651 of the BRCA2 protein. Computational prediction suggests that this variant may not impact protein structure and function (internally defined REVEL score threshold <= 0.5, PMID: 27666373). To our knowledge, functional studies have not been reported for this variant. This variant has been reported in an individual affected with breast cancer (PMID: 25777348). This variant has been identified in 1/240136 chromosomes in the general population by the Genome Aggregation Database (gnomAD). The available evidence is insufficient to determine the role of this variant in disease conclusively. Therefore, this variant is classified as a Variant of Uncertain Significance.

University of Washington Department of Laboratory Medicine, University of Washington
Classification: Likely benign for Hereditary cancer-predisposing syndrome. Last evaluated: 2023-03-23. Review status: criteria provided, single submitter. Criteria: Dines et al. (Genet Med. 2020). Collection method: curation. Allele origin: germline.
Comment: Missense variant in a coldspot region where missense variants are very unlikely to be pathogenic (PMID:31911673).

BRCA2 exon 11 coldspot. Reclassification based on statistical prior probability.

Sema4
Classification: Uncertain significance for Hereditary cancer-predisposing syndrome. Last evaluated: 2021-06-23. Review status: criteria provided, single submitter. Criteria: Sema4 Curation Guidelines. Collection method: curation. Allele origin: germline.
Comment: The BRCA2 c.1951G>T (p.D651Y) variant has been reported in at least one individual with breast and/or ovarian cancer (PMID: 25777348). It was observed in 1/110388 chromosomes of the Non-Finnish European subpopulation in the large and broad cohorts of the Genome Aggregation Database (PMID: 32461654). The variant has been reported in ClinVar (Variation ID 51231). In silico tools suggest the impact of the variant on protein function is inconclusive though these predictions have not been confirmed by functional studies. The evidence is insufficient to meet ACMG/AMP criteria for classifying the variant as benign or pathogenic. Thus, the clinical significance of this variant is currently uncertain.

Ambry Genetics
Classification: Likely benign for Hereditary cancer-predisposing syndrome. Last evaluated: 2018-11-28. Review status: criteria provided, single submitter. Criteria: Ambry Variant Classification Scheme 2023. Collection method: clinical testing. Allele origin: germline.

Counsyl
Classification: Uncertain significance for Breast-ovarian cancer, familial, susceptibility to, 2. Last evaluated: 2015-12-16. Review status: no assertion criteria provided. Collection method: clinical testing. Allele origin: unknown. Not counted in ClinVar's aggregate classification.

Breast Cancer Information Core (BIC) (BRCA2)
Classification: Uncertain significance for Breast-ovarian cancer, familial 2. Review status: no assertion criteria provided. Collection method: clinical testing. Allele origin: germline. Affected: yes. Observed: 1 variant allele. Not counted in ClinVar's aggregate classification.

Department of Pathology and Laboratory Medicine, Sinai Health System
Classification: Uncertain significance for Malignant tumor of breast. Review status: no assertion criteria provided. Collection method: clinical testing. Allele origin: unknown. Affected: yes. Observed: 1 variant allele. Study: The Canadian Open Genetics Repository (COGR). Not counted in ClinVar's aggregate classification.
Comment: The BRCA2 p.Asp651Tyr variant was identified in 1 of 500 proband chromosomes (frequency: 0.002) from Lebanese individuals or families with at high risk of breast cancer (El Saghir_2015_25777348). The variant was also identified in dbSNP (ID: rs80358482) â€šÃ„ÃºWith Uncertain significance alleleâ€šÃ„Ã¹, ClinVar (classified uncertain significance by Ambry Genetics, Counsyl, BIC; and classification not provided by Invitae), Clinvitae (2x), Cosmic (1x in a breast tumour), and in control databases in 1 of 235252 chromosomes at a frequency of 0.000004 (Genome Aggregation Database Feb 27, 2017 in the European Non-Finnish population in 1 of 108390 chromosomes (freq: 0.000009), while not observed in the African, Other, Latino, Ashkenazi Jewish, East Asian, European Finnish, and South Asian populations. The variant was not identified in GeneInsight-COGR, MutDB, LOVD 3.0, UMD-LSDB, BIC Database, ARUP Laboratories, or Zhejiang Colon Cancer Database. The p.Asp651 residue is not conserved in mammals and four out of five computational analyses (PolyPhen-2, SIFT, AlignGVGD, BLOSUM, MutationTaster) do not suggest a high likelihood the variant Tyr impacts the protein; however, this information is not predictive enough to rule out pathogenicity. The variant occurs outside of the splicing consensus sequence and 1 of 5 in silico or computational prediction software programs (SpliceSiteFinder, MaxEntScan, NNSPLICE, GeneSplicer, HumanSpliceFinder) predict a greater than 10% difference in splicing; this is not very predictive of pathogenicity. In summary, based on the above information the clinical significance of this variant cannot be determined with certainty at this time. This variant is classified as a variant of uncertain significance.

Literature cited by the submitters: PubMed 25777348 (cited by 6 submitters); PubMed 24817641 (cited by Counsyl).